The following is an entry in ClinVar:

ClinVar aggregate classification (germline): Conflicting classifications of pathogenicity. Review status: criteria provided, conflicting classifications (1 of 4 stars). 4 submissions from 4 submitters: Uncertain significance (1); Likely benign (3). Last evaluated 2026-02-04.

Conditions:
Cardiovascular phenotype. Identifiers: MedGen CN230736.
Primary dilated cardiomyopathy (DCM). Also called: Dilated Cardiomyopathy. Identifiers: Orphanet 217604, MedGen C0007193, MeSH D002311, MONDO:0005021, HP:0001644. Inheritance: Various modes of inheritance.
Duchenne muscular dystrophy (DMD). Also called: Duchenne Muscular Dystrophy (DMD); MUSCULAR DYSTROPHY, PSEUDOHYPERTROPHIC PROGRESSIVE, DUCHENNE TYPE. Identifiers: Orphanet 98896, MedGen C0013264, MONDO:0010679, OMIM 310200.

Allele frequency attached by ClinVar (database versions not stated): gnomAD 0.00005; TOPMed 0.00005.
gnomAD v4.1: 117 of 1,204,791 alleles (0.0097%); highest among the groups gnomAD compares: Middle Eastern, 0.023%; no homozygotes.

Submissions (4):

Labcorp Genetics (formerly Invitae), Labcorp
Classification: Likely benign for Duchenne muscular dystrophy. Last evaluated: 2026-02-04. Review status: criteria provided, single submitter. Criteria: Invitae Variant Classification Sherloc (09022015). Collection method: clinical testing. Allele origin: germline.

Blueprint Genetics
Classification: Likely benign. Last evaluated: 2024-08-26. Review status: criteria provided, single submitter. Criteria: ACMG Guidelines, 2015. Collection method: clinical testing. Allele origin: germline.

Ambry Genetics
Classification: Uncertain significance for Cardiovascular phenotype. Last evaluated: 2021-05-09. Review status: criteria provided, single submitter. Criteria: Ambry Variant Classification Scheme 2023. Collection method: clinical testing. Allele origin: germline.
Comment: The p.V3410I variant (also known as c.10228G>A), located in coding exon 71 of the DMD gene, results from a G to A substitution at nucleotide position 10228. The valine at codon 3410 is replaced by isoleucine, an amino acid with highly similar properties. This variant has been detected in a suspected Duchenne or Becker muscular dystrophy cohort; however, details were limited (Kumar SH et al. PLoS One, 2020 Jun;15:e0232654). Based on data from gnomAD, the A allele has an overall frequency of 0.006% (10/177649) total alleles studied, with 3 hemizygotes observed. The highest observed frequency was 0.02% (3/17753) of South Asian alleles. This amino acid position is highly conserved in available vertebrate species. In addition, this alteration is predicted to be tolerated by in silico analysis. Since supporting evidence is limited at this time, the clinical significance of this alteration remains unclear.

Genetics and Genomics Program, Sidra Medicine
Classification: Likely benign for Primary dilated cardiomyopathy. Review status: criteria provided, single submitter. Criteria: ACMG Guidelines, 2015. Collection method: research. Allele origin: unknown. Affected: yes. Observed: 1 variant allele.

Literature cited by the submitters: PubMed 32559196 (cited by Ambry Genetics).

NM_004006.3(DMD):c.10228G>A (p.Val3410Ile)

Gene: DMD (dystrophin; minus strand). Cytogenetic location: Xp21.2.
Variant type: single nucleotide variant.
Coding change: c.10228G>A on transcript NM_004006.3 (MANE Select); coding-DNA position 10228, G replaced by A.
Protein change: p.Val3410Ile; replaces valine 3410 with isoleucine.
Molecular consequence: missense variant. On other transcripts: intron variant (5).
Genome position (GRCh38, 1-based): chrX:31,177,966, C>T on the plus strand (G>A on the coding strand, the complement: DMD is on the minus strand). VCF-style: chrX-31177966-C-T. GRCh37 (hg19) VCF-style: chrX-31196083-C-T.
Other names: c.10204G>A, p.Val3402Ile (NM_000109.4); c.10216G>A, p.Val3406Ile (NM_004009.3); c.9859G>A, p.Val3287Ile (NM_004010.3); c.6205G>A, p.Val2069Ile (NM_004011.4); c.6196G>A, p.Val2066Ile (NM_004012.4); c.2848G>A, p.Val950Ile (NM_004013.3, NM_004021.3); c.2041G>A, p.Val681Ile (NM_004014.3); c.1024G>A, p.Val342Ile (NM_004015.3, NM_004016.3); and 2 more; short protein forms V2066I, V2069I, V3287I, V3402I, V3406I, V3410I, V342I, V681I.
Identifiers: ClinVar variation 978733 (VCV000978733.12), dbSNP rs751030250, ClinGen allele CA10377656.
Genomic context (GRCh38, chrX:31,177,966, plus strand): 5'-CACCCTTCAGCAAAAAAAGTACTCACGCAGAATCTACTGGCCAGAAGTTGATCAGAGTAA[C>T]GGGACTGCAAAACAAAAAATGAGGTGGTGAAGGAGACACACGCAAACTCAGCCGCAAAAA-3'
Protein context (NP_003997.2, residues 3400-3420): VLEGDNMETP[Val3410Ile]TLINFWPVDS